The following is an entry in ClinVar:

NM_006302.3(MOGS):c.1988dup (p.Leu664fs)

Gene: MOGS (mannosyl-oligosaccharide glucosidase; minus strand). Cytogenetic location: 2p13.1.
Variant type: Duplication.
Coding change: c.1988dup on transcript NM_006302.3 (MANE Select); coding-DNA position 1988, one base duplicated (A; older notation c.1988dupA).
Protein change: p.Leu664fs; shifts the reading frame from leucine 664.
Molecular consequence: frameshift variant.
Genome position (GRCh38, 1-based): chr2:74,461,801, T duplicated on the plus strand (A on the coding strand, the reverse complement: MOGS is on the minus strand). VCF-style (leftmost placement, unchanged base first): chr2-74461800-C-CT. GRCh37 (hg19) VCF-style: chr2-74688927-C-CT.
Other names: c.1670dup, p.Leu558fs (NM_001146158.2); c.1988dupA (NM_006302.3); short protein forms L558fs, L664fs.
Identifiers: ClinVar variation 1392069 (VCV001392069.9), dbSNP rs1558564895, ClinGen allele CA916568188.

ClinVar aggregate classification (germline): Uncertain significance. Review status: criteria provided, multiple submitters, no conflicts (2 of 4 stars). 2 submissions from 2 submitters: Uncertain significance (2). Last evaluated 2025-03-21.

Conditions:
MOGS-congenital disorder of glycosylation. Also called: CDG 2B; GLUCOSIDASE I DEFICIENCY; CDG IIb; MOGS-CDG. Identifiers: Orphanet 79330, MedGen C1853736, MONDO:0011629, OMIM 606056.

Allele frequency attached by ClinVar (database versions not stated): gnomAD exomes below 0.00001 and 0.00001.

Submissions (2):

Women's Health and Genetics/Laboratory Corporation of America, LabCorp
Classification: Uncertain significance. Last evaluated: 2025-03-21. Review status: criteria provided, single submitter. Criteria: LabCorp Variant Classification Summary - May 2015. Collection method: clinical testing. Allele origin: germline.
Comment: Variant summary: MOGS c.1988dupA (p.Leu664AlafsX83) results in a premature termination codon, predicted to cause a truncation of the encoded protein or absence of the protein, which are commonly known mechanisms for disease. This variant is not predicted undergo nonsense mediated decay. The variant allele was found at a frequency of 4e-06 in 249474 control chromosomes. The available data on variant occurrences in the general population are insufficient to allow any conclusion about variant significance. To our knowledge, no occurrence of c.1988dupA in individuals affected with MOGS-Congenital Disorder Of Glycosylation and no experimental evidence demonstrating its impact on protein function have been reported. ClinVar contains an entry for this variant (Variation ID: 1392069). Based on the evidence outlined above, the variant was classified as uncertain significance.

Labcorp Genetics (formerly Invitae), Labcorp
Classification: Uncertain significance for MOGS-congenital disorder of glycosylation. Last evaluated: 2020-11-22. Review status: criteria provided, single submitter. Criteria: Invitae Variant Classification Sherloc (09022015). Collection method: clinical testing. Allele origin: germline.
Comment: This variant is not present in population databases (ExAC no frequency). This sequence change creates a premature translational stop signal (p.Leu664Alafs*83) in the MOGS gene. While this is not anticipated to result in nonsense mediated decay, it is expected to disrupt the last 174 amino acid(s) of the MOGS protein. This variant has not been reported in the literature in individuals with MOGS-related conditions. This variant disrupts a region of the protein in which other variant(s) (p.Thr802Ile) have been observed in individuals with MOGS-related conditions (PMID: 29235540). This suggests that this may be a clinically significant region of the MOGS protein. In summary, the available evidence is currently insufficient to determine the role of this variant in disease. Therefore, it has been classified as a Variant of Uncertain Significance.

Literature cited by the submitters: PubMed 29235540 (cited by Labcorp Genetics (formerly Invitae), Labcorp).